The following is an entry in ClinVar:

ClinVar aggregate classification (germline): Uncertain significance (1 of 4 stars; one submission).

Allele frequency attached by ClinVar (database versions not stated): ExAC 0.00003; gnomAD 0.00003; TOPMed 0.00003; ESP Exome Variant Server 0.00008.
gnomAD v4.1: 86 of 1,613,080 alleles (0.0053%); highest among the groups gnomAD compares: Non-Finnish European, 0.007%; no homozygotes.

Submission:

Labcorp Genetics (formerly Invitae), Labcorp
Classification: Uncertain significance. Last evaluated: 2022-05-08. Review status: criteria provided, single submitter. Criteria: Invitae Variant Classification Sherloc (09022015). Collection method: clinical testing. Allele origin: germline.
Comment: This sequence change replaces asparagine, which is neutral and polar, with aspartic acid, which is acidic and polar, at codon 543 of the RASGRP1 protein (p.Asn543Asp). This variant is present in population databases (rs368060712, gnomAD 0.005%). This variant has not been reported in the literature in individuals affected with RASGRP1-related conditions. Algorithms developed to predict the effect of missense changes on protein structure and function are either unavailable or do not agree on the potential impact of this missense change (SIFT: "Deleterious"; PolyPhen-2: "Benign"; Align-GVGD: "Class C15"). In summary, the available evidence is currently insufficient to determine the role of this variant in disease. Therefore, it has been classified as a Variant of Uncertain Significance.

NM_005739.4(RASGRP1):c.1627A>G (p.Asn543Asp)

Gene: RASGRP1 (RAS guanyl releasing protein 1; minus strand). Cytogenetic location: 15q14.
Variant type: single nucleotide variant.
Coding change: c.1627A>G on transcript NM_005739.4 (MANE Select); coding-DNA position 1627, A replaced by G.
Protein change: p.Asn543Asp; replaces asparagine 543 with aspartic acid.
Molecular consequence: missense variant.
Genome position (GRCh38, 1-based): chr15:38,501,199, T>C on the plus strand (A>G on the coding strand, the complement: RASGRP1 is on the minus strand). VCF-style: chr15-38501199-T-C. GRCh37 (hg19) VCF-style: chr15-38793400-T-C.
Other names: c.1522A>G, p.Asn508Asp (NM_001128602.2, NM_001306086.2); short protein forms N508D, N543D.
Identifiers: ClinVar variation 2413717 (VCV002413717.3), dbSNP rs368060712, ClinGen allele CA7470821.
Genomic context (GRCh38, chr15:38,501,199, plus strand): 5'-TTACAAATCCAGCACAGTTGTCACAAAAAGTGGGCTTCAGGTAGGTGGTCTCTTGGAAGT[T>C]GTGAGGAAAGCCCAGGCCCAGCTTGGAATAGATTGAGCTGGCTCTCATGAAGTAGGCTGT-3'
Protein context (NP_005730.2, residues 533-553): YSKLGLGFPH[Asn543Asp]FQETTYLKPT